The following is an entry in ClinVar:

ClinVar aggregate classification (germline): Pathogenic (1 of 4 stars; one submission).

Submission:

GeneDx
Classification: Pathogenic. Last evaluated: 2017-01-19. Review status: criteria provided, single submitter. Criteria: GeneDx Variant Classification (06012015). Collection method: clinical testing. Allele origin: germline. Affected: yes.
Comment: The c.12310_12313dupGTTA variant in the PKD1 gene has not been reported previously as a pathogenic variant nor as a benign variant, to our knowledge. This variant causes a frameshift starting with codon Isoleucine 4105, changes this amino acid to a Serine residue, and creates a premature Stop codon at position 53 of the new reading frame, denoted p.Ile4105SerfsX53. This variant is predicted to cause loss of normal protein function through protein truncation. The c.12310_12313dupGTTA variant was not observed in approximately 6500 individuals of European and African American ancestry in the NHLBI Exome Sequencing Project, indicating it is not a common benign variant in these populations. We interpret c.12310_12313dupGTTA as a pathogenic variant.

NM_001009944.3(PKD1):c.12310_12313dup (p.Ile4105fs)

Gene: PKD1 (polycystin 1, transient receptor potential channel interacting; minus strand). Cytogenetic location: 16p13.3.
Variant type: Duplication.
Coding change: c.12310_12313dup on transcript NM_001009944.3 (MANE Select); coding-DNA positions 12310 to 12313, 4 bases duplicated (GTTA; older notation c.12310_12313dupGTTA).
Protein change: p.Ile4105fs; shifts the reading frame from isoleucine 4105.
Molecular consequence: frameshift variant.
Genome position (GRCh38, 1-based): chr16:2,090,416-2,090,419, TAAC duplicated on the plus strand (GTTA on the coding strand, the reverse complement: PKD1 is on the minus strand). VCF-style (leftmost placement, unchanged base first): chr16-2090415-A-ATAAC. GRCh37 (hg19) VCF-style: chr16-2140416-A-ATAAC.
Other names: c.12307_12310dup, p.Ile4104fs (NM_000296.4); short protein forms I4105fs, I4104fs.
Identifiers: ClinVar variation 423181 (VCV000423181.2), dbSNP rs1555444602, ClinGen allele CA16620106.